The following is an entry in ClinVar:

ClinVar aggregate classification (germline): Conflicting classifications of pathogenicity. Review status: criteria provided, conflicting classifications (1 of 4 stars). 3 submissions from 3 submitters: Uncertain significance (1); Likely benign (2). Last evaluated 2026-02-01.

Conditions:
Developmental and epileptic encephalopathy, 36 (DEE36). Also called: Epileptic encephalopathy, early infantile, 36; ALG13-CDG; Congenital disorder of glycosylation, type Is. Identifiers: Orphanet 324422, MedGen C4317295, MONDO:0010472, OMIM 300884.

Allele frequency attached by ClinVar (database versions not stated): ExAC 0.00001; gnomAD 0.00001; gnomAD exomes 0.00001; TOPMed 0.00002.
gnomAD v4.1: 16 of 1,209,410 alleles (0.0013%); highest among the groups gnomAD compares: Admixed American, 0.0022%; no homozygotes.

Submissions (3):

CeGaT Center for Human Genetics Tuebingen
Classification: Likely benign. Last evaluated: 2026-02-01. Review status: criteria provided, single submitter. Criteria: CeGaT Center For Human Genetics Tuebingen Variant Classification Criteria Version 2. Collection method: clinical testing. Allele origin: germline. Affected: yes. Observed: 1 variant allele.
Comment: ALG13: BP4, BS2

Labcorp Genetics (formerly Invitae), Labcorp
Classification: Likely benign for Developmental and epileptic encephalopathy, 36. Last evaluated: 2024-07-23. Review status: criteria provided, single submitter. Criteria: Invitae Variant Classification Sherloc (09022015). Collection method: clinical testing. Allele origin: germline.

GeneDx
Classification: Uncertain significance. Last evaluated: 2019-10-09. Review status: criteria provided, single submitter. Criteria: GeneDx Variant Classification Process June 2021. Collection method: clinical testing. Allele origin: germline. Affected: yes.
Comment: In silico analysis, which includes protein predictors and evolutionary conservation, supports a deleterious effect; Has not been previously published as pathogenic or benign to our knowledge

NM_001099922.3(ALG13):c.1921C>G (p.His641Asp)

Gene: ALG13 (ALG13 UDP-N-acetylglucosaminyltransferase subunit; plus strand). Cytogenetic location: Xq23.
Variant type: single nucleotide variant.
Coding change: c.1921C>G on transcript NM_001099922.3 (MANE Select); coding-DNA position 1921, C replaced by G.
Protein change: p.His641Asp; replaces histidine 641 with aspartic acid.
Molecular consequence: missense variant. On other transcripts: non-coding transcript variant (1).
Genome position (GRCh38, 1-based): chrX:111,727,000, C>G. VCF-style: chrX-111727000-C-G. GRCh37 (hg19) VCF-style: chrX-110970228-C-G.
Other names: c.1921C>G, p.His641Asp (NM_001324292.2); c.1435C>G, p.His479Asp (NM_001324293.1); c.1609C>G, p.His537Asp (NM_001257230.2, NM_001257234.2, NM_001257237.2); c.1687C>G, p.His563Asp (NM_001257231.2); short protein forms H479D, H537D, H563D, H641D.
Identifiers: ClinVar variation 1308904 (VCV001308904.10), dbSNP rs760283589, ClinGen allele CA10493787.